The following is an entry in ClinVar:

NM_016111.4(TELO2):c.60G>A (p.Ser20=)

Gene: TELO2 (telomere maintenance 2; plus strand). Cytogenetic location: 16p13.3.
Variant type: single nucleotide variant.
Coding change: c.60G>A on transcript NM_016111.4 (MANE Select); coding-DNA position 60, G replaced by A.
Protein change: p.Ser20=; no amino-acid change (serine 20 retained).
Molecular consequence: synonymous variant.
Genome position (GRCh38, 1-based): chr16:1,494,341, G>A. VCF-style: chr16-1494341-G-A. GRCh37 (hg19) VCF-style: chr16-1544342-G-A.
Other names: c.60G>A, p.Ser20= (NM_001351846.2).
Identifiers: ClinVar variation 729753 (VCV000729753.30), dbSNP rs140140646, ClinGen allele CA7811531.
Genomic context (GRCh38, chr16:1,494,341, plus strand): 5'-GATGGAGCCAGCACCCTCAGAGGTTCGACTCGCCGTCCGGGAAGCCATTCATGCCCTCTC[G>A]TCTTCGGAGGATGGCGGCCACATCTTCTGCACCCTGGAGTCCCTGAAGCGGTATCTCGGT-3'
Protein context (NP_057195.2, residues 10-30): LAVREAIHAL[Ser20=]SSEDGGHIFC

ClinVar aggregate classification (germline): Likely benign. Review status: criteria provided, multiple submitters, no conflicts (2 of 4 stars). 2 submissions from 2 submitters: Likely benign (2). Last evaluated 2025-11-17.

Allele frequency attached by ClinVar (database versions not stated): 1000 Genomes Project 30x 0.00016; 1000 Genomes Project 0.00020; gnomAD 0.00021; TOPMed 0.00022; ESP Exome Variant Server 0.00023; ExAC 0.00035.
gnomAD v4.1: 576 of 1,613,646 alleles (0.036%); highest among the groups gnomAD compares: Non-Finnish European, 0.046%; no homozygotes.

Submissions (2):

Labcorp Genetics (formerly Invitae), Labcorp
Classification: Likely benign. Last evaluated: 2025-11-17. Review status: criteria provided, single submitter. Criteria: Invitae Variant Classification Sherloc (09022015). Collection method: clinical testing. Allele origin: germline.

CeGaT Center for Human Genetics Tuebingen
Classification: Likely benign. Last evaluated: 2024-11-01. Review status: criteria provided, single submitter. Criteria: CeGaT Center For Human Genetics Tuebingen Variant Classification Criteria Version 2. Collection method: clinical testing. Allele origin: germline. Affected: yes. Observed: 4 variant alleles.
Comment: TELO2: BP4, BP7